The following is an entry in ClinVar:

ClinVar aggregate classification (germline): Likely benign. Review status: criteria provided, single submitter (1 of 4 stars). 2 submissions from 2 submitters: Likely benign (1). 1 of the submissions does not count toward it. Last evaluated 2026-01-16.

Conditions:
MED25-related disorder. Also called: MED25-related condition.
Charcot-Marie-Tooth disease type 2. Also called: Charcot-Marie-Tooth type 2. Identifiers: Orphanet 64746, MedGen C0270914, MONDO:0018993.

Allele frequency attached by ClinVar (database versions not stated): TOPMed 0.00002; gnomAD 0.00004; ExAC 0.00005; gnomAD exomes 0.00007 and 0.00004.
gnomAD v4.1: 60 of 1,612,340 alleles (0.0037%); highest among the groups gnomAD compares: Non-Finnish European, 0.003%; no homozygotes.

Submissions (2):

Labcorp Genetics (formerly Invitae), Labcorp
Classification: Likely benign for Charcot-Marie-Tooth disease type 2. Last evaluated: 2026-01-16. Review status: criteria provided, single submitter. Criteria: Invitae Variant Classification Sherloc (09022015). Collection method: clinical testing. Allele origin: germline.

PreventionGenetics, part of Exact Sciences
Classification: Likely benign for MED25-related condition. Last evaluated: 2019-03-13. Review status: no assertion criteria provided. Collection method: clinical testing. Allele origin: germline. Not counted in ClinVar's aggregate classification.
Comment: This variant is classified as likely benign based on ACMG/AMP sequence variant interpretation guidelines (Richards et al. 2015 PMID: 25741868, with internal and published modifications).

NM_030973.4(MED25):c.1989C>T (p.Pro663=)

Gene: MED25 (mediator complex subunit 25; plus strand). Cytogenetic location: 19q13.33.
Variant type: single nucleotide variant.
Coding change: c.1989C>T on transcript NM_030973.4 (MANE Select); coding-DNA position 1989, C replaced by T.
Protein change: p.Pro663=; no amino-acid change (proline 663 retained).
Molecular consequence: synonymous variant.
Genome position (GRCh38, 1-based): chr19:49,836,249, C>T. VCF-style: chr19-49836249-C-T. GRCh37 (hg19) VCF-style: chr19-50339506-C-T.
Other names: c.1989C>T, p.Pro663= (NM_001378355.1).
Identifiers: ClinVar variation 695941 (VCV000695941.12), dbSNP rs762594410, ClinGen allele CA9585452.